The following is an entry in ClinVar:

NM_025145.7(CFAP43):c.3790C>T (p.Arg1264Trp)

Gene: CFAP43 (cilia and flagella associated protein 43; minus strand). Cytogenetic location: 10q25.1.
Variant type: single nucleotide variant.
Coding change: c.3790C>T on transcript NM_025145.7 (MANE Select); coding-DNA position 3790, C replaced by T.
Protein change: p.Arg1264Trp; replaces arginine 1264 with tryptophan.
Molecular consequence: missense variant.
Genome position (GRCh38, 1-based): chr10:104,146,328, G>A on the plus strand (C>T on the coding strand, the complement: CFAP43 is on the minus strand). VCF-style: chr10-104146328-G-A. GRCh37 (hg19) VCF-style: chr10-105906086-G-A.
Other names: short protein forms R1264W.
Identifiers: ClinVar variation 2640813 (VCV002640813.24), dbSNP rs148204337, ClinGen allele CA5680179.

ClinVar aggregate classification (germline): Likely benign (1 of 4 stars; one submission).

Allele frequency attached by ClinVar (database versions not stated): 1000 Genomes Project 30x 0.00094; 1000 Genomes Project 0.00100; TOPMed 0.00150; gnomAD 0.00205; ExAC 0.00235; ESP Exome Variant Server 0.00246.
gnomAD v4.1: 3,759 of 1,613,456 alleles (0.23%); highest among the groups gnomAD compares: Non-Finnish European, 0.26%; 14 homozygotes.

Submission:

CeGaT Center for Human Genetics Tuebingen
Classification: Likely benign. Last evaluated: 2025-10-01. Review status: criteria provided, single submitter. Criteria: CeGaT Center For Human Genetics Tuebingen Variant Classification Criteria Version 2. Collection method: clinical testing. Allele origin: germline. Affected: yes. Observed: 2 variant alleles.
Comment: CFAP43: BP4, BS2